The following is an entry in ClinVar:

ClinVar aggregate classification (germline): Conflicting classifications of pathogenicity. Review status: criteria provided, conflicting classifications (1 of 4 stars). 6 submissions from 6 submitters: Likely pathogenic (1); Uncertain significance (4); Benign (1). Last evaluated 2026-04-30.

Conditions:
OPA1-related disorder. Also called: OPA1-related disorders; OPA1-related condition.

Allele frequency attached by ClinVar (database versions not stated): gnomAD exomes below 0.00001; TOPMed below 0.00001; ExAC 0.00001; gnomAD 0.00001.
gnomAD v4.1: 2 of 1,601,716 alleles (0.00012%); highest among the groups gnomAD compares: Non-Finnish European, 0.00017%; no homozygotes.

Submissions (6):

GeneDx
Classification: Likely pathogenic. Last evaluated: 2026-04-30. Review status: criteria provided, single submitter. Criteria: GeneDx Variant Classification Process June 2021. Collection method: clinical testing. Allele origin: germline.
Comment: Not observed at significant frequency in large population cohorts (gnomAD); In silico analysis supports a deleterious effect on splicing; This variant is associated with the following publications: (PMID: 11440989, 27860320)

PreventionGenetics, part of Exact Sciences
Classification: Uncertain significance for OPA1-related condition. Last evaluated: 2025-08-26. Review status: criteria provided, single submitter. Criteria: ACMG Guidelines, 2015. Collection method: clinical testing. Allele origin: germline.
Comment: The OPA1 c.1935+3A>G variant is predicted to interfere with splicing. To our knowledge, this variant has not been reported in the literature. This variant is predicted to weaken splicing at the canonical donor splice site according to one splicing algorithm (SpliceAI, Jaganathan et al. 2019. PubMed ID: 30661751). This variant is reported in 0.00088% of alleles in individuals of European (Non-Finnish) descent in gnomAD. At this time, the clinical significance of this variant is uncertain due to the absence of conclusive functional and genetic evidence.

Labcorp Genetics (formerly Invitae), Labcorp
Classification: Uncertain significance. Last evaluated: 2025-04-17. Review status: criteria provided, single submitter. Criteria: Invitae Variant Classification Sherloc (09022015). Collection method: clinical testing. Allele origin: germline.
Comment: This sequence change falls in intron 18 of the OPA1 gene. It does not directly change the encoded amino acid sequence of the OPA1 protein. It affects a nucleotide within the consensus splice site. This variant is present in population databases (rs398124300, gnomAD 0.0009%). This variant has been observed in individual(s) with optic atrophy (PMID: 27860320). ClinVar contains an entry for this variant (Variation ID: 95715). Variants that disrupt the consensus splice site are a relatively common cause of aberrant splicing (PMID: 17576681, 9536098). Algorithms developed to predict the effect of sequence changes on RNA splicing suggest that this variant may disrupt the consensus splice site. In summary, the available evidence is currently insufficient to determine the role of this variant in disease. Therefore, it has been classified as a Variant of Uncertain Significance.

Women's Health and Genetics/Laboratory Corporation of America, LabCorp
Classification: Uncertain significance. Last evaluated: 2023-12-05. Review status: criteria provided, single submitter. Criteria: LabCorp Variant Classification Summary - May 2015. Collection method: clinical testing. Allele origin: germline.
Comment: Variant summary: OPA1 c.1770+3A>G alters a conserved nucleotide located close to a canonical splice site and therefore could affect mRNA splicing, leading to a significantly altered protein sequence. Several computational tools predict a significant impact on normal splicing: Three predict the variant abolishes a 5' splicing donor site. However, these predictions have yet to be confirmed by functional studies. The variant allele was found at a frequency of 4e-06 in 251264 control chromosomes. The available data on variant occurrences in the general population are insufficient to allow any conclusion about variant significance. c.1770+3A>G has been reported in the literature in individuals affected with OPA1-Related Disorders. These reports do not provide unequivocal conclusions about association of the variant with OPA1-Related Disorders. To our knowledge, no experimental evidence demonstrating an impact on protein function has been reported. The following publication have been ascertained in the context of this evaluation (PMID: 11440989). Two submitters have cited clinical-significance assessments for this variant to ClinVar after 2014. One submitter classified the variant as likely pathogenic, and one submitter classified the variant as uncertain significance. Based on the evidence outlined above, the variant was classified as uncertain significance.

Blueprint Genetics
Classification: Uncertain significance. Last evaluated: 2020-07-22. Review status: criteria provided, single submitter. Criteria: ACMG Guidelines, 2015. Collection method: clinical testing. Allele origin: germline.

Eurofins Ntd Llc (ga)
Classification: Benign. Last evaluated: 2012-12-28. Review status: criteria provided, single submitter. Criteria: EGL Classification Definitions 2015. Collection method: clinical testing. Allele origin: germline. Observed: 4 variant alleles, 4 heterozygotes.

Literature cited by the submitters: PubMed 27860320 (cited by Labcorp Genetics (formerly Invitae), Labcorp); PubMed 17576681 (cited by Labcorp Genetics (formerly Invitae), Labcorp); PubMed 9536098 (cited by Labcorp Genetics (formerly Invitae), Labcorp); PubMed 11440989 (cited by Women's Health and Genetics/Laboratory Corporation of America, LabCorp).

NM_130837.3(OPA1):c.1935+3A>G

Gene: OPA1 (OPA1 mitochondrial dynamin like GTPase; plus strand). Cytogenetic location: 3q29.
Variant type: single nucleotide variant.
Coding change: c.1935+3A>G on transcript NM_130837.3 (MANE Select); 3 bases into the intron after coding-DNA position 1935, A replaced by G.
Molecular consequence: intron variant.
Genome position (GRCh38, 1-based): chr3:193,648,137, A>G. VCF-style: chr3-193648137-A-G. GRCh37 (hg19) VCF-style: chr3-193365926-A-G.
Other names: c.1935+3A>G (NM_130837.2); c.1398+3A>G (NM_001354664.2); c.1401+3A>G (NM_001354663.2); c.1824+3A>G (NM_130834.3); c.1881+3A>G (NM_130836.3); c.1770+3A>G (NM_015560.3); c.1827+3A>G (NM_130835.3); c.1716+3A>G (NM_130832.3); and 2 more.
Identifiers: ClinVar variation 95715 (VCV000095715.16), dbSNP rs398124300, ClinGen allele CA148770.